The following is an entry in ClinVar:

NM_004260.4(RECQL4):c.3394-3C>T

Gene: RECQL4 (RecQ like helicase 4; minus strand). Cytogenetic location: 8q24.3.
Variant type: single nucleotide variant.
Coding change: c.3394-3C>T on transcript NM_004260.4 (MANE Select); 3 bases into the intron before coding-DNA position 3394, C replaced by T.
Molecular consequence: intron variant.
Genome position (GRCh38, 1-based): chr8:144,511,792, G>A on the plus strand (C>T on the coding strand, the complement: RECQL4 is on the minus strand). VCF-style: chr8-144511792-G-A. GRCh37 (hg19) VCF-style: chr8-145737175-G-A.
Other names: c.3265-3C>T (NM_001413025.1); c.3043-3C>T (NM_001413029.1); c.2257-3C>T (NM_001413032.1, NM_001413027.1, NM_001413030.1); c.2323-3C>T (NM_001413035.1, NM_001413040.1, NM_001413021.1 and 4 more transcripts); c.3100-3C>T (NM_001413017.1); c.3298-3C>T (NM_001413020.1); c.3364-3C>T (NM_001413039.1); c.3262-3C>T (NM_001413033.1); and 9 more.
Identifiers: ClinVar variation 3609124 (VCV003609124.2).
Genomic context (GRCh38, chr8:144,511,792, plus strand): 5'-GCCTCAGGGACAGGAACTGGCGGATGTCGCAGCGGACCTGGTCCTCCCAATCCTGGAGCT[G>A]TGTGGACAGGCACATCAGGCTTCCTCTGAGCTCCCGTGGCACTGCATCCACAGAGCAAGC-3'

ClinVar aggregate classification (germline): Uncertain significance (1 of 4 stars; one submission).

Conditions:
Baller-Gerold syndrome (BGS). Also called: CRANIOSYNOSTOSIS WITH RADIAL DEFECTS. Identifiers: Orphanet 1225, MedGen C0265308, MONDO:0009039, OMIM 218600.

gnomAD v4.1: 2 of 1,612,386 alleles (0.00012%); highest among the groups gnomAD compares: Non-Finnish European, 0.00017%; no homozygotes.

Submission:

Labcorp Genetics (formerly Invitae), Labcorp
Classification: Uncertain significance for Baller-Gerold syndrome. Last evaluated: 2024-09-29. Review status: criteria provided, single submitter. Criteria: Invitae Variant Classification Sherloc (09022015). Collection method: clinical testing. Allele origin: germline.
Comment: This sequence change falls in intron 19 of the RECQL4 gene. It does not directly change the encoded amino acid sequence of the RECQL4 protein. It affects a nucleotide within the consensus splice site. This variant is not present in population databases (gnomAD no frequency). This variant has not been reported in the literature in individuals affected with RECQL4-related conditions. Variants that disrupt the consensus splice site are a relatively common cause of aberrant splicing (PMID: 17576681, 9536098). Algorithms developed to predict the effect of sequence changes on RNA splicing suggest that this variant is not likely to affect RNA splicing. In summary, the available evidence is currently insufficient to determine the role of this variant in disease. Therefore, it has been classified as a Variant of Uncertain Significance.

Literature cited by the submitters: PubMed 17576681; PubMed 9536098.